The following is an entry in ClinVar:

NM_001942.4(DSG1):c.460C>G (p.Pro154Ala)

Gene: DSG1 (desmoglein 1; plus strand). Cytogenetic location: 18q12.1.
Variant type: single nucleotide variant.
Coding change: c.460C>G on transcript NM_001942.4 (MANE Select); coding-DNA position 460, C replaced by G.
Protein change: p.Pro154Ala; replaces proline 154 with alanine.
Molecular consequence: missense variant.
Genome position (GRCh38, 1-based): chr18:31,329,979, C>G. VCF-style: chr18-31329979-C-G. GRCh37 (hg19) VCF-style: chr18-28909942-C-G.
Other names: c.460C>G (NM_001942.2); short protein forms P154A.
Identifiers: ClinVar variation 1985412 (VCV001985412.5), dbSNP rs371978779, ClinGen allele CA8925847.
Genomic context (GRCh38, chr18:31,329,979, plus strand): 5'-GGCCAAGATTTAGAGAGGCCTCTAGAGCTCAGAGTCAGGGTTTTGGATATAAATGACAAC[C>G]CTCCAGTGTTTTCAATGGCTACATTTGCAGGACAAATAGAAGAAAATTCTAATGCAAGTA-3'
Protein context (NP_001933.2, residues 144-164): RVRVLDINDN[Pro154Ala]PVFSMATFAG

ClinVar aggregate classification (germline): Uncertain significance. Review status: criteria provided, multiple submitters, no conflicts (2 of 4 stars). 2 submissions from 2 submitters: Uncertain significance (2). Last evaluated 2025-08-25.

Conditions:
Inborn genetic diseases. Identifiers: MedGen C0950123, MeSH D030342.

gnomAD v4.1: 24 of 1,613,148 alleles (0.0015%); highest among the groups gnomAD compares: East Asian, 0.049%; no homozygotes.

Submissions (2):

Labcorp Genetics (formerly Invitae), Labcorp
Classification: Uncertain significance. Last evaluated: 2025-08-25. Review status: criteria provided, single submitter. Criteria: Invitae Variant Classification Sherloc (09022015). Collection method: clinical testing. Allele origin: germline.
Comment: This sequence change replaces proline, which is neutral and non-polar, with alanine, which is neutral and non-polar, at codon 154 of the DSG1 protein (p.Pro154Ala). This variant is present in population databases (rs371978779, gnomAD 0.2%). This variant has not been reported in the literature in individuals affected with DSG1-related conditions. ClinVar contains an entry for this variant (Variation ID: 1985412). Invitae Evidence Modeling of protein sequence and biophysical properties (such as structural, functional, and spatial information, amino acid conservation, physicochemical variation, residue mobility, and thermodynamic stability) indicates that this missense variant is not expected to disrupt DSG1 protein function with a negative predictive value of 80%. In summary, the available evidence is currently insufficient to determine the role of this variant in disease. Therefore, it has been classified as a Variant of Uncertain Significance.

Ambry Genetics
Classification: Uncertain significance for Inborn genetic diseases. Last evaluated: 2024-01-22. Review status: criteria provided, single submitter. Criteria: Ambry Variant Classification Scheme 2023. Collection method: clinical testing. Allele origin: germline.